The following is an entry in ClinVar:

NM_207391.3(RGS9BP):c.193C>T (p.Arg65Trp)

Gene: RGS9BP (regulator of G protein signaling 9 binding protein; plus strand). Cytogenetic location: 19q13.11.
Variant type: single nucleotide variant.
Coding change: c.193C>T on transcript NM_207391.3 (MANE Select); coding-DNA position 193, C replaced by T.
Protein change: p.Arg65Trp; replaces arginine 65 with tryptophan.
Molecular consequence: missense variant.
Genome position (GRCh38, 1-based): chr19:32,676,456, C>T. VCF-style: chr19-32676456-C-T. GRCh37 (hg19) VCF-style: chr19-33167362-C-T.
Other names: short protein forms R65W.
Identifiers: ClinVar variation 1410772 (VCV001410772.6), dbSNP rs561039329, ClinGen allele CA9357513.
Genomic context (GRCh38, chr19:32,676,456, plus strand): 5'-CAGAAGGCGCAGGAGCTGGCGGTGTCCACCTGCGCCCGGCTGACTGCTGTGCTGCGCGAC[C>T]GGGGCCTGGCCGCCGACGAGCGCGCCGAGTTCGAGCGGCTCTGGGTGGCCTTCTCGGGCT-3'
Protein context (NP_997274.2, residues 55-75): CARLTAVLRD[Arg65Trp]GLAADERAEF

ClinVar aggregate classification (germline): Uncertain significance (1 of 4 stars; one submission).

Allele frequency attached by ClinVar (database versions not stated): gnomAD exomes below 0.00001 and 0.00001; gnomAD 0.00001; 1000 Genomes Project 30x 0.00016; 1000 Genomes Project 0.00020.

Submission:

Labcorp Genetics (formerly Invitae), Labcorp
Classification: Uncertain significance. Last evaluated: 2022-03-10. Review status: criteria provided, single submitter. Criteria: Invitae Variant Classification Sherloc (09022015). Collection method: clinical testing. Allele origin: germline.
Comment: In summary, the available evidence is currently insufficient to determine the role of this variant in disease. Therefore, it has been classified as a Variant of Uncertain Significance. Algorithms developed to predict the effect of missense changes on protein structure and function are either unavailable or do not agree on the potential impact of this missense change (SIFT: "Deleterious"; PolyPhen-2: "Probably Damaging"; Align-GVGD: "Class C0"). This variant has not been reported in the literature in individuals affected with RGS9BP-related conditions. This variant is present in population databases (rs561039329, gnomAD 0.008%). This sequence change replaces arginine, which is basic and polar, with tryptophan, which is neutral and slightly polar, at codon 65 of the RGS9BP protein (p.Arg65Trp).